The following is an entry in ClinVar:

ClinVar aggregate classification (germline): Uncertain significance (1 of 4 stars; one submission).

Conditions:
Gorlin syndrome. Also called: Nevoid Basal Cell Carcinoma Syndrome; Basal cell nevus syndrome. Identifiers: Orphanet 377, MedGen C0004779, MONDO:0007187.

Submission:

Labcorp Genetics (formerly Invitae), Labcorp
Classification: Uncertain significance for Gorlin syndrome. Last evaluated: 2023-02-16. Review status: criteria provided, single submitter. Criteria: Invitae Variant Classification Sherloc (09022015). Collection method: clinical testing. Allele origin: germline.
Comment: In summary, the available evidence is currently insufficient to determine the role of this variant in disease. Therefore, it has been classified as a Variant of Uncertain Significance. This sequence change replaces leucine, which is neutral and non-polar, with methionine, which is neutral and non-polar, at codon 770 of the PTCH2 protein (p.Leu770Met). This variant is not present in population databases (gnomAD no frequency). This variant has not been reported in the literature in individuals affected with PTCH2-related conditions. An algorithm developed to predict the effect of missense changes on protein structure and function (PolyPhen-2) suggests that this variant is likely to be tolerated.

NM_003738.5(PTCH2):c.2308C>A (p.Leu770Met)

Gene: PTCH2 (patched 2; minus strand). Cytogenetic location: 1p34.1.
Variant type: single nucleotide variant.
Coding change: c.2308C>A on transcript NM_003738.5 (MANE Select); coding-DNA position 2308, C replaced by A.
Protein change: p.Leu770Met; replaces leucine 770 with methionine.
Molecular consequence: missense variant.
Genome position (GRCh38, 1-based): chr1:44,827,465, G>T on the plus strand (C>A on the coding strand, the complement: PTCH2 is on the minus strand). VCF-style: chr1-44827465-G-T. GRCh37 (hg19) VCF-style: chr1-45293137-G-T.
Other names: c.2308C>A, p.Leu770Met (NM_001166292.2); short protein forms L770M.
Identifiers: ClinVar variation 2837999 (VCV002837999.3), dbSNP rs1337695153, ClinGen allele CA340096327.